The following is an entry in ClinVar:

ClinVar aggregate classification (germline): Likely benign (1 of 4 stars; one submission).

Submission:

CeGaT Center for Human Genetics Tuebingen
Classification: Likely benign. Last evaluated: 2025-05-01. Review status: criteria provided, single submitter. Criteria: CeGaT Center For Human Genetics Tuebingen Variant Classification Criteria Version 2. Collection method: clinical testing. Allele origin: germline. Affected: yes. Observed: 1 variant allele.
Comment: NBPF10: PM2:Supporting, BP4, BP7

NM_001302371.3(NBPF10):c.10170C>A (p.Val3390=)

Gene: NBPF10 (NBPF member 10; minus strand). Cytogenetic location: 1q21.1.
Variant type: single nucleotide variant.
Coding change: c.10170C>A on transcript NM_001302371.3 (MANE Select); coding-DNA position 10170, C replaced by A.
Protein change: p.Val3390=; no amino-acid change (valine 3390 retained).
Molecular consequence: synonymous variant.
Genome position (GRCh38, 1-based): chr1:146,072,862, G>T on the plus strand (C>A on the coding strand, the complement: NBPF10 is on the minus strand). VCF-style: chr1-146072862-G-T. GRCh37 (hg19) VCF-style: chr1-145362136-C-A.
Other names: c.9663C>A, p.Val3221= (NM_001039703.6).
Identifiers: ClinVar variation 3905982 (VCV003905982.10).